The following is an entry in ClinVar:

NM_153033.5(KCTD7):c.529C>T (p.Arg177Cys)

Gene: KCTD7 (potassium channel tetramerization domain containing 7; plus strand). Cytogenetic location: 7q11.21.
Variant type: single nucleotide variant.
Coding change: c.529C>T on transcript NM_153033.5 (MANE Select); coding-DNA position 529, C replaced by T.
Protein change: p.Arg177Cys; replaces arginine 177 with cysteine.
Molecular consequence: missense variant.
Genome position (GRCh38, 1-based): chr7:66,638,891, C>T. VCF-style: chr7-66638891-C-T. GRCh37 (hg19) VCF-style: chr7-66103878-C-T.
Other names: c.529C>T, p.Arg177Cys (NM_001167961.2); short protein forms R177C.
Identifiers: ClinVar variation 978068 (VCV000978068.4), dbSNP rs1273966098, ClinGen allele CA367696669.

ClinVar aggregate classification (germline): Uncertain significance; Affects. Review status: criteria provided, multiple submitters, no conflicts (2 of 4 stars). 3 submissions from 3 submitters: Uncertain significance (2). Last evaluated 2025-10-19.

Conditions:
Progressive myoclonic epilepsy type 3. Also called: EPILEPSY, PROGRESSIVE MYOCLONIC, 3, WITHOUT INTRACELLULAR INCLUSIONS; EPILEPSY, PROGRESSIVE MYOCLONIC, 3, WITH OR WITHOUT INTRACELLULAR INCLUSIONS; CEROID LIPOFUSCINOSIS, NEURONAL, 14; KCTD7-Related Progressive Myoclonic Epilepsy. Identifiers: Orphanet 263516, MedGen C2673257, MONDO:0012721, OMIM 611726.

Allele frequency attached by ClinVar (database versions not stated): TOPMed 0.00001; gnomAD exomes below 0.00001.

Submissions (3):

3billion
Classification: Uncertain significance for Progressive myoclonic epilepsy type 3. Last evaluated: 2025-10-19. Review status: criteria provided, single submitter. Criteria: ACMG Guidelines, 2015. Collection method: clinical testing. Allele origin: germline. Affected: yes.
Comment: The variant is observed at an extremely low frequency in the gnomAD v4.1.0 dataset (total allele frequency: <0.001%). Predicted Consequence/Location: Missense variant The same nucleotide change resulting in the same amino acid change has been previously reported to be associated with KCTD7-related disorder (PMID: 34469883). A different missense change at the same codon (p.Arg177His) has been reported to be associated with KCTD7-related disorder (PMID: 30295347). Therefore, this variant is classified as VUS according to the recommendation of ACMG/AMP guideline.

Women's Health and Genetics/Laboratory Corporation of America, LabCorp
Classification: Uncertain significance. Last evaluated: 2024-11-15. Review status: criteria provided, single submitter. Criteria: LabCorp Variant Classification Summary - May 2015. Collection method: clinical testing. Allele origin: germline.
Comment: Variant summary: KCTD7 c.529C>T (p.Arg177Cys) results in a non-conservative amino acid change in the encoded protein sequence. Four of five in-silico tools predict a damaging effect of the variant on protein function. The variant allele was found at a frequency of 4e-06 in 251296 control chromosomes. c.529C>T has been reported in the literature in at least one homozygous individual affected with Progressive myoclonic epilepsy type 3 (Binaafar_2021). These data indicate that the variant may be associated with disease. To our knowledge, no experimental evidence demonstrating an impact on protein function has been reported. The following publication has been ascertained in the context of this evaluation (PMID: 34469883). ClinVar contains an entry for this variant (Variation ID: 978068). Based on the evidence outlined above, the variant was classified as VUS-possibly pathogenic.

Children’s Center Hospital, Tehran University of Medical Sciences
Classification: Affects for Progressive myoclonic epilepsy type 3. Last evaluated: 2017-11-17. Review status: criteria provided, single submitter. Criteria: Submitter's publication. Collection method: clinical testing. Allele origin: inherited. Inheritance: Autosomal recessive inheritance. Affected: yes. Observed: 1 homozygote.
Comment: Non-Syndromic Epileptic Encephalopathies (NS-EE)

Literature cited by the submitters: PubMed 34469883 (cited by 3billion and Women's Health and Genetics/Laboratory Corporation of America, LabCorp); PubMed 30295347 (cited by 3billion).